The following is an entry in ClinVar:

ClinVar aggregate classification (germline): Uncertain significance (1 of 4 stars; one submission).

gnomAD v4.1: 1 of 1,586,120 alleles (0.000063%); highest among the groups gnomAD compares: Non-Finnish European, 0.000086%; no homozygotes.

Submission:

Labcorp Genetics (formerly Invitae), Labcorp
Classification: Uncertain significance. Last evaluated: 2024-05-25. Review status: criteria provided, single submitter. Criteria: Invitae Variant Classification Sherloc (09022015). Collection method: clinical testing. Allele origin: germline.
Comment: This sequence change replaces phenylalanine, which is neutral and non-polar, with tyrosine, which is neutral and polar, at codon 172 of the COL9A2 protein (p.Phe172Tyr). This variant is not present in population databases (gnomAD no frequency). This variant has not been reported in the literature in individuals affected with COL9A2-related conditions. Advanced modeling of protein sequence and biophysical properties (such as structural, functional, and spatial information, amino acid conservation, physicochemical variation, residue mobility, and thermodynamic stability) performed at Invitae indicates that this missense variant is not expected to disrupt COL9A2 protein function with a negative predictive value of 95%. In summary, the available evidence is currently insufficient to determine the role of this variant in disease. Therefore, it has been classified as a Variant of Uncertain Significance.

NM_001852.4(COL9A2):c.515T>A (p.Phe172Tyr)

Gene: COL9A2 (collagen type IX alpha 2 chain; minus strand). Cytogenetic location: 1p34.2.
Variant type: single nucleotide variant.
Coding change: c.515T>A on transcript NM_001852.4 (MANE Select); coding-DNA position 515, T replaced by A.
Protein change: p.Phe172Tyr; replaces phenylalanine 172 with tyrosine.
Molecular consequence: missense variant.
Genome position (GRCh38, 1-based): chr1:40,311,504, A>T on the plus strand (T>A on the coding strand, the complement: COL9A2 is on the minus strand). VCF-style: chr1-40311504-A-T. GRCh37 (hg19) VCF-style: chr1-40777176-A-T.
Other names: short protein forms F172Y.
Identifiers: ClinVar variation 3711412 (VCV003711412.2).
Genomic context (GRCh38, chr1:40,311,504, plus strand): 5'-CCATCTCTGTGGCCCCGCCCCCCTGTGTTAGCCCCGCCCCAGACCTCGTCTCTCACCAGG[A>T]AATCCGCACTGCCTTCCAGACCCTGGATGGTTCCCGGGCGACCCTGAGAGGAGACATGAA-3'
Protein context (NP_001843.1, residues 162-182): TIQGLEGSAD[Phe172Tyr]LCPTNCPPGM